The following is an entry in ClinVar:

ClinVar aggregate classification (germline): Uncertain significance (1 of 4 stars; one submission).

Conditions:
Developmental and epileptic encephalopathy, 34 (DEE34). Also called: Early infantile epileptic encephalopathy 34; SLC12A5-Related Epilepsy of Infancy with Migrating Focal Seizures. Identifiers: Orphanet 293181, MedGen C4225257, MONDO:0014718, OMIM 616645.

gnomAD v4.1: 6 of 1,614,042 alleles (0.00037%); highest among the groups gnomAD compares: Admixed American, 0.005%; no homozygotes.

Submission:

Labcorp Genetics (formerly Invitae), Labcorp
Classification: Uncertain significance for Developmental and epileptic encephalopathy, 34. Last evaluated: 2022-08-16. Review status: criteria provided, single submitter. Criteria: Invitae Variant Classification Sherloc (09022015). Collection method: clinical testing. Allele origin: germline.
Comment: In summary, the available evidence is currently insufficient to determine the role of this variant in disease. Therefore, it has been classified as a Variant of Uncertain Significance. This sequence change replaces proline, which is neutral and non-polar, with threonine, which is neutral and polar, at codon 818 of the SLC12A5 protein (p.Pro818Thr). This variant is present in population databases (no rsID available, gnomAD 0.003%). This variant has not been reported in the literature in individuals affected with SLC12A5-related conditions. Advanced modeling of protein sequence and biophysical properties (such as structural, functional, and spatial information, amino acid conservation, physicochemical variation, residue mobility, and thermodynamic stability) performed at Invitae indicates that this missense variant is not expected to disrupt SLC12A5 protein function.

NM_020708.5(SLC12A5):c.2452C>A (p.Pro818Thr)

Gene: SLC12A5 (solute carrier family 12 member 5; plus strand). Cytogenetic location: 20q13.12.
Variant type: single nucleotide variant.
Coding change: c.2452C>A on transcript NM_020708.5 (MANE Select); coding-DNA position 2452, C replaced by A.
Protein change: p.Pro818Thr; replaces proline 818 with threonine.
Molecular consequence: missense variant.
Genome position (GRCh38, 1-based): chr20:46,053,031, C>A. VCF-style: chr20-46053031-C-A. GRCh37 (hg19) VCF-style: chr20-44681670-C-A.
Other names: c.2521C>A, p.Pro841Thr (NM_001134771.2); short protein forms P818T, P841T.
Identifiers: ClinVar variation 1915435 (VCV001915435.4), dbSNP rs201268862, ClinGen allele CA409204880.
Genomic context (GRCh38, chr20:46,053,031, plus strand): 5'-ACCACAGCTGGCCACTTAGCCCTGCTGGTCACCAAGAACGTTTCCATGTTTCCTGGGAAC[C>A]CTGAGCGCTTCTCTGAGGGCAGCATCGACGTTTGGTGGATTGTGCACGATGGAGGCATGC-3'
Protein context (NP_065759.1, residues 808-828): TKNVSMFPGN[Pro818Thr]ERFSEGSIDV